The following is an entry in ClinVar:

ClinVar aggregate classification (germline): Conflicting classifications of pathogenicity. Review status: criteria provided, conflicting classifications (1 of 4 stars). 2 submissions from 2 submitters: Likely pathogenic (1); Uncertain significance (1). Last evaluated 2024-11-08.

Conditions:
LPL-related disorder. Also called: LPL-related condition.

Submissions (2):

Women's Health and Genetics/Laboratory Corporation of America, LabCorp
Classification: Uncertain significance. Last evaluated: 2024-11-08. Review status: criteria provided, single submitter. Criteria: LabCorp Variant Classification Summary - May 2015. Collection method: clinical testing. Allele origin: germline.
Comment: Variant summary: LPL c.604G>A (p.Asp202Asn) results in a conservative amino acid change located in the Lipase domain (IPR013818) of the encoded protein sequence. Four of five in-silico tools predict a damaging effect of the variant on protein function. The variant was absent in 251454 control chromosomes. The available data on variant occurrences in the general population are insufficient to allow any conclusion about variant significance. c.604G>A has been reported in the literature in at least one compound heterozygous individual affected with Familial Lipoprotein Lipase Deficiency, Autosomal Recessive (e.g. Kolorova_2014). These data do not allow any conclusion about variant significance. To our knowledge, no experimental evidence demonstrating an impact on protein function has been reported. The following publication has been ascertained in the context of this evaluation (PMID: 25863041). No submitters have cited clinical-significance assessments for this variant to ClinVar. Based on the evidence outlined above, the variant was classified as uncertain significance.

Blueprint Genetics
Classification: Likely pathogenic for LPL-related disorders. Last evaluated: 2021-06-18. Review status: criteria provided, single submitter. Criteria: ACMG Guidelines, 2015. Collection method: clinical testing. Allele origin: germline. Affected: yes. Observed: 1 variant allele.

Literature cited by the submitters: PubMed 25863041 (cited by Women's Health and Genetics/Laboratory Corporation of America, LabCorp).

NM_000237.3(LPL):c.604G>A (p.Asp202Asn)

Gene: LPL (lipoprotein lipase; plus strand). Cytogenetic location: 8p21.3.
Variant type: single nucleotide variant.
Coding change: c.604G>A on transcript NM_000237.3 (MANE Select); coding-DNA position 604, G replaced by A.
Protein change: p.Asp202Asn; replaces aspartic acid 202 with asparagine.
Molecular consequence: missense variant.
Genome position (GRCh38, 1-based): chr8:19,954,182, G>A. VCF-style: chr8-19954182-G-A. GRCh37 (hg19) VCF-style: chr8-19811693-G-A.
Other names: short protein forms D202N.
Identifiers: ClinVar variation 3629752 (VCV003629752.2).
Genomic context (GRCh38, chr8:19,954,182, plus strand): 5'-CTCGATCCAGCTGGACCTAACTTTGAGTATGCAGAAGCCCCGAGTCGTCTTTCTCCTGAT[G>A]ATGCAGATTTTGTAGACGTCTTACACACATTCACCAGAGGGTCCCCTGGTCGAAGCATTG-3'
Protein context (NP_000228.1, residues 192-212): AEAPSRLSPD[Asp202Asn]ADFVDVLHTF